The following is an entry in ClinVar:

NM_182493.3(MYLK3):c.704C>G (p.Ala235Gly)

Gene: MYLK3 (myosin light chain kinase 3; minus strand). Cytogenetic location: 16q11.2.
Variant type: single nucleotide variant.
Coding change: c.704C>G on transcript NM_182493.3 (MANE Select); coding-DNA position 704, C replaced by G.
Protein change: p.Ala235Gly; replaces alanine 235 with glycine.
Molecular consequence: missense variant. On other transcripts: intron variant (1).
Genome position (GRCh38, 1-based): chr16:46,738,008, G>C on the plus strand (C>G on the coding strand, the complement: MYLK3 is on the minus strand). VCF-style: chr16-46738008-G-C. GRCh37 (hg19) VCF-style: chr16-46771920-G-C.
Other names: c.-23+2049C>G (NM_001308301.1); short protein forms A235G.
Identifiers: ClinVar variation 1957478 (VCV001957478.5), dbSNP rs1308718094, ClinGen allele CA395794393.

ClinVar aggregate classification (germline): Uncertain significance (1 of 4 stars; one submission).

Submission:

Labcorp Genetics (formerly Invitae), Labcorp
Classification: Uncertain significance. Last evaluated: 2024-02-02. Review status: criteria provided, single submitter. Criteria: Invitae Variant Classification Sherloc (09022015). Collection method: clinical testing. Allele origin: germline.
Comment: This sequence change replaces alanine, which is neutral and non-polar, with glycine, which is neutral and non-polar, at codon 235 of the MYLK3 protein (p.Ala235Gly). This variant is present in population databases (no rsID available, gnomAD 0.0009%). This variant has not been reported in the literature in individuals affected with MYLK3-related conditions. ClinVar contains an entry for this variant (Variation ID: 1957478). An algorithm developed to predict the effect of missense changes on protein structure and function (PolyPhen-2) suggests that this variant is likely to be tolerated. In summary, the available evidence is currently insufficient to determine the role of this variant in disease. Therefore, it has been classified as a Variant of Uncertain Significance.